The following is an entry in ClinVar:

ClinVar aggregate classification (germline): Uncertain significance (1 of 4 stars; one submission).

Submission:

Women's Health and Genetics/Laboratory Corporation of America, LabCorp
Classification: Uncertain significance. Last evaluated: 2026-04-15. Review status: criteria provided, single submitter. Criteria: LabCorp Variant Classification Summary - May 2015. Collection method: clinical testing. Allele origin: germline.
Comment: Variant summary: TNXB c.7577G>A (p.Gly2526Glu) results in a non-conservative amino acid change in the encoded protein sequence. Algorithms developed to predict the effect of missense changes on protein structure and function are either unavailable or do not agree on the potential impact of this missense change. The variant was absent in 243096 control chromosomes. The available data on variant occurrences in the general population are insufficient to allow any conclusion about variant significance. To our knowledge, no occurrence of c.7577G>A in individuals affected with TNXB-related conditions and no experimental evidence demonstrating its impact on protein function have been reported. No submitters have cited clinical-significance assessments for this variant to ClinVar. Based on the evidence outlined above, the variant was classified as uncertain significance.

NM_001365276.2(TNXB):c.7577G>A (p.Gly2526Glu)

Gene: TNXB (tenascin XB; minus strand). Cytogenetic location: 6p21.33.
Variant type: single nucleotide variant.
Coding change: c.7577G>A on transcript NM_001365276.2 (MANE Select); coding-DNA position 7577, G replaced by A.
Protein change: p.Gly2526Glu; replaces glycine 2526 with glutamic acid.
Molecular consequence: missense variant.
Genome position (GRCh38, 1-based): chr6:32,058,306, C>T on the plus strand (G>A on the coding strand, the complement: TNXB is on the minus strand). VCF-style: chr6-32058306-C-T. GRCh37 (hg19) VCF-style: chr6-32026083-C-T.
Other names: c.8318G>A, p.Gly2773Glu (NM_001428335.1); c.7577G>A, p.Gly2526Glu (NM_019105.8); short protein forms G2526E, G2773E.
Identifiers: ClinVar variation 4848509 (VCV004848509.1).